The following is an entry in ClinVar:

ClinVar aggregate classification (germline): Benign/Likely benign. Review status: criteria provided, multiple submitters, no conflicts (2 of 4 stars). 3 submissions from 3 submitters: Benign (1); Likely benign (2). Last evaluated 2024-11-27.

Conditions:
Erythrokeratodermia variabilis et progressiva 1 (EKVP1). Also called: ERYTHROKERATODERMIA VARIABILIS WITH ERYTHEMA GYRATUM REPENS; ERYTHROKERATODERMIA, PROGRESSIVE SYMMETRIC; ERYTHROKERATODERMIA FIGURATA, CONGENITAL FAMILIAL, IN PLAQUES. Identifiers: Orphanet 317, MedGen C4551486, MONDO:0033010, OMIM 133200.

Allele frequency attached by ClinVar (database versions not stated): gnomAD 0.00003; TOPMed 0.00003; gnomAD exomes 0.00007; ESP Exome Variant Server 0.00008; ExAC 0.00012.
gnomAD v4.1: 72 of 1,614,106 alleles (0.0045%); highest among the groups gnomAD compares: Middle Eastern, 0.049%; no homozygotes.

Submissions (3):

Labcorp Genetics (formerly Invitae), Labcorp
Classification: Likely benign. Last evaluated: 2024-11-27. Review status: criteria provided, single submitter. Criteria: Invitae Variant Classification Sherloc (09022015). Collection method: clinical testing. Allele origin: germline.

CeGaT Center for Human Genetics Tuebingen
Classification: Likely benign. Last evaluated: 2023-08-01. Review status: criteria provided, single submitter. Criteria: CeGaT Center For Human Genetics Tuebingen Variant Classification Criteria Version 2. Collection method: clinical testing. Allele origin: germline. Affected: yes. Observed: 1 variant allele.
Comment: GJB3: BP4, BP7

Illumina Laboratory Services, Illumina
Classification: Benign for Erythrokeratodermia variabilis et progressiva 1. Last evaluated: 2017-04-28. Review status: criteria provided, single submitter. Criteria: ICSL Variant Classification Criteria 13 December 2019. Collection method: clinical testing. Allele origin: germline.
Comment: This variant was observed as part of a predisposition screen in an ostensibly healthy population. A literature search was performed for the gene, cDNA change, and amino acid change (where applicable). No publications were found based on this search. Allele frequency data from public databases was too high to be consistent with this variant causing disease. Therefore, this variant is classified as benign.

NM_024009.3(GJB3):c.186C>T (p.Asn62=)

Gene: GJB3 (gap junction protein beta 3; plus strand). Cytogenetic location: 1p34.3.
Variant type: single nucleotide variant.
Coding change: c.186C>T on transcript NM_024009.3 (MANE Select); coding-DNA position 186, C replaced by T.
Protein change: p.Asn62=; no amino-acid change (asparagine 62 retained).
Molecular consequence: synonymous variant.
Genome position (GRCh38, 1-based): chr1:34,784,948, C>T. VCF-style: chr1-34784948-C-T. GRCh37 (hg19) VCF-style: chr1-35250549-C-T.
Other names: c.186C>T, p.Asn62= (NM_001005752.2).
Identifiers: ClinVar variation 876775 (VCV000876775.30), dbSNP rs373186826, ClinGen allele CA754771.
Genomic context (GRCh38, chr1:34,784,948, plus strand): 5'-CGTGTGGGGGGATGAGCAGAAGGACTTTGACTGCAACACCAAGCAGCCCGGCTGCACCAA[C>T]GTCTGCTACGACAACTACTTCCCCATCTCCAACATCCGCCTCTGGGCCCTGCAGCTCATC-3'
Protein context (NP_076872.1, residues 52-72): DCNTKQPGCT[Asn62=]VCYDNYFPIS